The following is an entry in ClinVar:

NM_001382567.1(STIM1):c.1855C>A (p.His619Asn)

Genes: STIM1 (stromal interaction molecule 1; plus strand), LOC124418421 (Sharpr-MPRA regulatory region 9588; plus strand). Cytogenetic location: 11p15.4.
Variant type: single nucleotide variant.
Coding change: c.1855C>A on transcript NM_001382567.1 (MANE Select); coding-DNA position 1855, C replaced by A.
Protein change: p.His619Asn; replaces histidine 619 with asparagine.
Molecular consequence: missense variant. On other transcripts: 3 prime UTR variant (4), non-coding transcript variant (3).
Genome position (GRCh38, 1-based): chr11:4,091,502, C>A. VCF-style: chr11-4091502-C-A. GRCh37 (hg19) VCF-style: chr11-4112732-C-A.
Other names: c.2080C>A, p.His694Asn (NM_001277961.3); c.*176C>A (NM_001277962.2, NM_001382578.1, NM_001382579.1 and 1 more transcripts); c.1858C>A, p.His620Asn (NM_001382566.1); c.1783C>A, p.His595Asn (NM_001382568.1); c.1627C>A, p.His543Asn (NM_001382569.1); c.1534C>A, p.His512Asn (NM_001382570.1); c.1282C>A, p.His428Asn (NM_001382571.1); c.1540C>A, p.His514Asn (NM_001382575.1, NM_001382576.1, NM_001382577.1); and 2 more; short protein forms H512N, H514N, H619N, H425N, H543N, H694N, H428N, H588N.
Identifiers: ClinVar variation 2927232 (VCV002927232.3), dbSNP rs201297020, ClinGen allele CA379197278.
Genomic context (GRCh38, chr11:4,091,502, plus strand): 5'-CTGGTGGAGAAACTGCCTGACAGCCCTGCCCTGGCCAAGAAGGCATTACTGGCGCTGAAC[C>A]ATGGGCTGGACAAGGCCCACAGCCTGATGGAGCTGAGCCCCTCAGCCCCACCTGGTGGCT-3'
Protein context (NP_001369496.1, residues 609-629): LAKKALLALN[His619Asn]GLDKAHSLME

ClinVar aggregate classification (germline): Uncertain significance (1 of 4 stars; one submission).

Conditions:
Stormorken syndrome (STRMK). Also called: THROMBOCYTOPATHY, ASPLENIA, AND MIOSIS. Identifiers: Orphanet 3204, MedGen C1861451, MONDO:0008497, OMIM 185070.
Combined immunodeficiency due to STIM1 deficiency. Also called: IMMUNODEFICIENCY 10; STIM1 DEFICIENCY. Identifiers: Orphanet 169090, Orphanet 317430, MedGen C2748557, MONDO:0013008, OMIM 612783.
Myopathy with tubular aggregates (TAM). Also called: Tubular Aggregate Myopathy. Identifiers: Orphanet 2593, MedGen C0410207, MONDO:0008051.

gnomAD v4.1: 1 of 1,614,194 alleles (0.000062%); highest among the groups gnomAD compares: Non-Finnish European, 0.000085%; no homozygotes.

Submission:

Labcorp Genetics (formerly Invitae), Labcorp
Classification: Uncertain significance for Myopathy with tubular aggregates; Combined immunodeficiency due to STIM1 deficiency; Stormorken syndrome. Last evaluated: 2024-05-08. Review status: criteria provided, single submitter. Criteria: Invitae Variant Classification Sherloc (09022015). Collection method: clinical testing. Allele origin: germline.
Comment: This sequence change replaces histidine, which is basic and polar, with asparagine, which is neutral and polar, at codon 588 of the STIM1 protein (p.His588Asn). This variant is not present in population databases (gnomAD no frequency). This variant has not been reported in the literature in individuals affected with STIM1-related conditions. Advanced modeling of protein sequence and biophysical properties (such as structural, functional, and spatial information, amino acid conservation, physicochemical variation, residue mobility, and thermodynamic stability) performed at Invitae indicates that this missense variant is not expected to disrupt STIM1 protein function with a negative predictive value of 80%. In summary, the available evidence is currently insufficient to determine the role of this variant in disease. Therefore, it has been classified as a Variant of Uncertain Significance.